The following is an entry in ClinVar:

NM_152743.4(BRAT1):c.1009C>G (p.Pro337Ala)

Gene: BRAT1 (BRCA1 associated ATM activator 1; minus strand). Cytogenetic location: 7p22.3.
Variant type: single nucleotide variant.
Coding change: c.1009C>G on transcript NM_152743.4 (MANE Select); coding-DNA position 1009, C replaced by G.
Protein change: p.Pro337Ala; replaces proline 337 with alanine.
Molecular consequence: missense variant. On other transcripts: non-coding transcript variant (1).
Genome position (GRCh38, 1-based): chr7:2,542,126, G>C on the plus strand (C>G on the coding strand, the complement: BRAT1 is on the minus strand). VCF-style: chr7-2542126-G-C. GRCh37 (hg19) VCF-style: chr7-2581760-G-C.
Other names: c.1009C>G, p.Pro337Ala (NM_001350626.2); c.484C>G, p.Pro162Ala (NM_001350627.2); short protein forms P337A, P162A.
Identifiers: ClinVar variation 1493788 (VCV001493788.6), dbSNP rs1779220502, ClinGen allele CA366630183.

ClinVar aggregate classification (germline): Uncertain significance (1 of 4 stars; one submission).

Conditions:
Neonatal-onset encephalopathy with rigidity and seizures. Also called: Lethal neonatal spasticity-epileptic encephalopathy syndrome. Identifiers: Orphanet 435845, MedGen C3281029, MONDO:0013784, OMIM 614498.

Allele frequency attached by ClinVar (database versions not stated): TOPMed below 0.00001.

Submission:

Labcorp Genetics (formerly Invitae), Labcorp
Classification: Uncertain significance for Neonatal-onset encephalopathy with rigidity and seizures. Last evaluated: 2021-12-02. Review status: criteria provided, single submitter. Criteria: Invitae Variant Classification Sherloc (09022015). Collection method: clinical testing. Allele origin: germline.
Comment: Algorithms developed to predict the effect of missense changes on protein structure and function output the following: SIFT: "Tolerated"; PolyPhen-2: "Benign"; Align-GVGD: "Class C0". The alanine amino acid residue is found in multiple mammalian species, which suggests that this missense change does not adversely affect protein function. This variant has not been reported in the literature in individuals affected with BRAT1-related conditions. This variant is not present in population databases (gnomAD no frequency). This sequence change replaces proline, which is neutral and non-polar, with alanine, which is neutral and non-polar, at codon 337 of the BRAT1 protein (p.Pro337Ala). In summary, the available evidence is currently insufficient to determine the role of this variant in disease. Therefore, it has been classified as a Variant of Uncertain Significance.